The following is an entry in ClinVar:

ClinVar aggregate classification (germline): Uncertain significance (1 of 4 stars; one submission).

Conditions:
Severe combined immunodeficiency due to DNA-PKcs deficiency. Also called: IMMUNODEFICIENCY 26 WITH NEUROLOGIC ABNORMALITIES; Immunodeficiency 26 with or without neurologic abnormalities. Identifiers: Orphanet 317425, MedGen C4014833, MONDO:0014423, OMIM 615966.

Allele frequency attached by ClinVar (database versions not stated): TOPMed 0.00001.

Submission:

Labcorp Genetics (formerly Invitae), Labcorp
Classification: Uncertain significance for Severe combined immunodeficiency due to DNA-PKcs deficiency. Last evaluated: 2023-05-15. Review status: criteria provided, single submitter. Criteria: Invitae Variant Classification Sherloc (09022015). Collection method: clinical testing. Allele origin: germline.
Comment: This sequence change replaces methionine, which is neutral and non-polar, with valine, which is neutral and non-polar, at codon 1880 of the PRKDC protein (p.Met1880Val). This variant is not present in population databases (gnomAD no frequency). This variant has not been reported in the literature in individuals affected with PRKDC-related conditions. Advanced modeling of protein sequence and biophysical properties (such as structural, functional, and spatial information, amino acid conservation, physicochemical variation, residue mobility, and thermodynamic stability) performed at Invitae indicates that this missense variant is expected to disrupt PRKDC protein function. In summary, the available evidence is currently insufficient to determine the role of this variant in disease. Therefore, it has been classified as a Variant of Uncertain Significance.

NM_006904.7(PRKDC):c.5638A>G (p.Met1880Val)

Gene: PRKDC (protein kinase, DNA-activated, catalytic subunit; minus strand). Cytogenetic location: 8q11.21.
Variant type: single nucleotide variant.
Coding change: c.5638A>G on transcript NM_006904.7 (MANE Select); coding-DNA position 5638, A replaced by G.
Protein change: p.Met1880Val; replaces methionine 1880 with valine.
Molecular consequence: missense variant.
Genome position (GRCh38, 1-based): chr8:47,863,511, T>C on the plus strand (A>G on the coding strand, the complement: PRKDC is on the minus strand). VCF-style: chr8-47863511-T-C. GRCh37 (hg19) VCF-style: chr8-48776072-T-C.
Other names: c.5638A>G, p.Met1880Val (NM_001081640.2); short protein forms M1880V.
Identifiers: ClinVar variation 2766573 (VCV002766573.3), dbSNP rs879080349, ClinGen allele CA371163106.
Genomic context (GRCh38, chr8:47,863,511, plus strand): 5'-AAACTTGATTAATTTTTGATTCCTTAGCATGAACATCATCTTTGGGAAGGCGAGAATACA[T>C]CACGTCTAGAATCTTATAGTAGCCCATCTTCTTGGTGATTTGAGTATCAAAGGTAGATTC-3'
Protein context (NP_008835.5, residues 1870-1890): KMGYYKILDV[Met1880Val]YSRLPKDDVH